The following is an entry in ClinVar:

NM_004260.4(RECQL4):c.2294T>G (p.Leu765Trp)

Gene: RECQL4 (RecQ like helicase 4; minus strand). Cytogenetic location: 8q24.3.
Variant type: single nucleotide variant.
Coding change: c.2294T>G on transcript NM_004260.4 (MANE Select); coding-DNA position 2294, T replaced by G.
Protein change: p.Leu765Trp; replaces leucine 765 with tryptophan.
Molecular consequence: missense variant. On other transcripts: non-coding transcript variant (3), intron variant (3).
Genome position (GRCh38, 1-based): chr8:144,513,387, A>C on the plus strand (T>G on the coding strand, the complement: RECQL4 is on the minus strand). VCF-style: chr8-144513387-A-C. GRCh37 (hg19) VCF-style: chr8-145738771-A-C.
Other names: c.2169+29T>G (NM_001413017.1); c.2265+29T>G (NM_001413018.1); c.1194+29T>G (NM_001413038.1); c.2294T>G, p.Leu765Trp (NM_001413019.1, NM_001413036.1); c.2198T>G, p.Leu733Trp (NM_001413020.1); c.1223T>G, p.Leu408Trp (NM_001413021.1, NM_001413022.1, NM_001413023.1 and 5 more transcripts); c.2165T>G, p.Leu722Trp (NM_001413025.1); c.1157T>G, p.Leu386Trp (NM_001413027.1, NM_001413030.1, NM_001413032.1 and 1 more transcripts); and 7 more; short protein forms L648W, L386W, L408W, L364W, L733W, L755W, L765W, L276W.
Identifiers: ClinVar variation 4841555 (VCV004841555.1).

ClinVar aggregate classification (germline): Uncertain significance (1 of 4 stars; one submission).

Conditions:
Inborn genetic diseases. Identifiers: MedGen C0950123, MeSH D030342.

gnomAD v4.1: 1 of 1,608,184 alleles (0.000062%); highest among the groups gnomAD compares: Non-Finnish European, 0.000085%; no homozygotes.

Submission:

Ambry Genetics
Classification: Uncertain significance for Inborn genetic diseases. Last evaluated: 2025-12-15. Review status: criteria provided, single submitter. Criteria: Ambry Variant Classification Scheme 2023. Collection method: clinical testing. Allele origin: germline.
Comment: The p.L765W variant (also known as c.2294T>G), located in coding exon 14 of the RECQL4 gene, results from a T to G substitution at nucleotide position 2294. The leucine at codon 765 is replaced by tryptophan, an amino acid with similar properties. This amino acid position is conserved. In addition, this alteration is predicted to be deleterious by in silico analysis. Based on the available evidence, the clinical significance of this variant remains unclear.